The following is an entry in ClinVar:

ClinVar aggregate classification (germline): Uncertain significance. Review status: criteria provided, multiple submitters, no conflicts (2 of 4 stars). 2 submissions from 2 submitters: Uncertain significance (2). Last evaluated 2024-04-25.

Conditions:
Familial thoracic aortic aneurysm and aortic dissection (TAAD). Also called: Thoracic aortic aneurysms and dissections. Identifiers: Orphanet 91387, MedGen C4707243, MONDO:0019625.

Submissions (2):

Labcorp Genetics (formerly Invitae), Labcorp
Classification: Uncertain significance for Familial thoracic aortic aneurysm and aortic dissection. Last evaluated: 2024-04-25. Review status: criteria provided, single submitter. Criteria: Invitae Variant Classification Sherloc (09022015). Collection method: clinical testing. Allele origin: germline.
Comment: This sequence change replaces histidine, which is basic and polar, with tyrosine, which is neutral and polar, at codon 331 of the TGFBR1 protein (p.His331Tyr). This variant is not present in population databases (gnomAD no frequency). This variant has not been reported in the literature in individuals affected with TGFBR1-related conditions. ClinVar contains an entry for this variant (Variation ID: 1690628). Advanced modeling of protein sequence and biophysical properties (such as structural, functional, and spatial information, amino acid conservation, physicochemical variation, residue mobility, and thermodynamic stability) performed at Invitae indicates that this missense variant is expected to disrupt TGFBR1 protein function with a positive predictive value of 80%. In summary, the available evidence is currently insufficient to determine the role of this variant in disease. Therefore, it has been classified as a Variant of Uncertain Significance.

Laboratorio de Genetica e Diagnostico Molecular, Hospital Israelita Albert Einstein
Classification: Uncertain significance. Last evaluated: 2021-04-26. Review status: criteria provided, single submitter. Criteria: ACMG Guidelines, 2015. Collection method: clinical testing. Allele origin: germline. Affected: yes.
Comment: ACMG classification criteria: PM2, PP3

NM_004612.4(TGFBR1):c.991C>T (p.His331Tyr)

Gene: TGFBR1 (transforming growth factor beta receptor 1; plus strand). Cytogenetic location: 9q22.33.
Variant type: single nucleotide variant.
Coding change: c.991C>T on transcript NM_004612.4 (MANE Select); coding-DNA position 991, C replaced by T.
Protein change: p.His331Tyr; replaces histidine 331 with tyrosine.
Molecular consequence: missense variant.
Genome position (GRCh38, 1-based): chr9:99,144,749, C>T. VCF-style: chr9-99144749-C-T. GRCh37 (hg19) VCF-style: chr9-101907031-C-T.
Other names: c.760C>T, p.His254Tyr (NM_001130916.3); c.1003C>T, p.His335Tyr (NM_001306210.2); short protein forms H254Y, H331Y, H335Y.
Identifiers: ClinVar variation 1690628 (VCV001690628.4), dbSNP rs2118803865, ClinGen allele CA374231252.